The following is an entry in ClinVar:

ClinVar aggregate classification (germline): Benign/Likely benign. Review status: criteria provided, multiple submitters, no conflicts (2 of 4 stars). 7 submissions from 7 submitters: Benign (1); Likely benign (6). Last evaluated 2025-10-26.

Conditions:
Classic or attenuated familial adenomatous polyposis. Identifiers: MedGen CN372698, MONDO:0021057.
Hereditary cancer-predisposing syndrome. Also called: Tumor predisposition; Neoplastic Syndromes, Hereditary; Hereditary neoplastic syndrome; Hereditary Cancer Syndrome. Identifiers: Orphanet 140162, MedGen C0027672, MeSH D009386, MONDO:0015356.
Familial adenomatous polyposis 1 (FAP1). Also called: FAMILIAL ADENOMATOUS POLYPOSIS 1, ATTENUATED; POLYPOSIS, ADENOMATOUS INTESTINAL. Identifiers: MedGen C2713442, MONDO:0021056, OMIM 175100. Disease mechanism: loss of function.

Allele frequency attached by ClinVar (database versions not stated): TOPMed 0.00004.
gnomAD v4.1: 9 of 1,614,012 alleles (0.00056%); highest among the groups gnomAD compares: African/African-American, 0.0027%; no homozygotes.

Submissions (7):

Labcorp Genetics (formerly Invitae), Labcorp
Classification: Likely benign for Familial adenomatous polyposis 1. Last evaluated: 2025-10-26. Review status: criteria provided, single submitter. Criteria: Invitae Variant Classification Sherloc (09022015). Collection method: clinical testing. Allele origin: germline.

Myriad Genetics, Inc.
Classification: Benign for Familial adenomatous polyposis 1. Last evaluated: 2024-03-21. Review status: criteria provided, single submitter. Criteria: Myriad Autosomal Dominant, Autosomal Recessive and X-Linked Classification Criteria (2023). Collection method: clinical testing. Allele origin: unknown.
Comment: This variant is considered benign. This variant is a silent/synonymous amino acid change and it is not expected to impact splicing.

All of Us Research Program, National Institutes of Health
Classification: Likely benign for Classic or attenuated familial adenomatous polyposis. Last evaluated: 2024-01-11. Review status: criteria provided, single submitter. Criteria: ACMG Guidelines, 2015. Collection method: clinical testing. Allele origin: germline. Inheritance: Autosomal dominant inheritance. Observed: 1 variant allele, 1 heterozygote.
Comment: This study involves interpretation of variants in research participants for the purpose of population health screening. Participant phenotype was not available at the time of variant classification. Additional details can be found in publication PMID: 35346344, PMCID: PMC8962531

Color Diagnostics, LLC DBA Color Health
Classification: Likely benign for Hereditary cancer-predisposing syndrome. Last evaluated: 2021-07-16. Review status: criteria provided, single submitter. Criteria: ACMG Guidelines, 2015. Collection method: clinical testing. Allele origin: germline.

Blueprint Genetics
Classification: Likely benign. Last evaluated: 2020-01-14. Review status: criteria provided, single submitter. Criteria: ACMG Guidelines, 2015. Collection method: clinical testing. Allele origin: germline.

GeneDx
Classification: Likely benign. Last evaluated: 2016-12-05. Review status: criteria provided, single submitter. Criteria: GeneDx Variant Classification (06012015). Collection method: clinical testing. Allele origin: germline. Affected: yes.
Comment: This variant is considered likely benign or benign based on one or more of the following criteria: it is a conservative change, it occurs at a poorly conserved position in the protein, it is predicted to be benign by multiple in silico algorithms, and/or has population frequency not consistent with disease.

Ambry Genetics
Classification: Likely benign for Hereditary cancer-predisposing syndrome. Last evaluated: 2015-09-24. Review status: criteria provided, single submitter. Criteria: Ambry Variant Classification Scheme 2023. Collection method: clinical testing. Allele origin: germline.

NM_000038.6(APC):c.3654G>A (p.Thr1218=)

Gene: APC (APC regulator of Wnt signaling pathway; plus strand). Cytogenetic location: 5q22.2.
Variant type: single nucleotide variant.
Coding change: c.3654G>A on transcript NM_000038.6 (MANE Select); coding-DNA position 3654, G replaced by A.
Protein change: p.Thr1218=; no amino-acid change (threonine 1218 retained).
Molecular consequence: synonymous variant.
Genome position (GRCh38, 1-based): chr5:112,839,248, G>A. VCF-style: chr5-112839248-G-A. GRCh37 (hg19) VCF-style: chr5-112174945-G-A.
Other names: c.3654G>A, p.Thr1218= (NM_001127510.3, NM_001354895.2); c.3600G>A, p.Thr1200= (NM_001127511.3); c.3708G>A, p.Thr1236= (NM_001354896.2); c.3684G>A, p.Thr1228= (NM_001354897.2); c.3579G>A, p.Thr1193= (NM_001354898.2); c.3570G>A, p.Thr1190= (NM_001354899.2); c.3531G>A, p.Thr1177= (NM_001354900.2); c.3477G>A, p.Thr1159= (NM_001354901.2); and 5 more.
Identifiers: ClinVar variation 391477 (VCV000391477.21), dbSNP rs772743023, ClinGen allele CA16605160.